The following is an entry in ClinVar:

ClinVar aggregate classification (germline): Uncertain significance (1 of 4 stars; one submission).

Conditions:
Anophthalmia/microphthalmia-esophageal atresia syndrome (MCOPS3). Also called: AEG SYNDROME; SOX2 Disorder; MICROPHTHALMIA AND ESOPHAGEAL ATRESIA SYNDROME. Identifiers: Orphanet 77298, MedGen C1859773, MONDO:0008799, OMIM 206900.

Submission:

Labcorp Genetics (formerly Invitae), Labcorp
Classification: Uncertain significance for Anophthalmia/microphthalmia-esophageal atresia syndrome. Last evaluated: 2025-08-05. Review status: criteria provided, single submitter. Criteria: Invitae Variant Classification Sherloc (09022015). Collection method: clinical testing. Allele origin: germline.
Comment: This sequence change replaces glycine, which is neutral and non-polar, with valine, which is neutral and non-polar, at codon 231 of the SOX2 protein (p.Gly231Val). This variant is not present in population databases (gnomAD no frequency). This variant has not been reported in the literature in individuals affected with SOX2-related conditions. Invitae Evidence Modeling of protein sequence and biophysical properties (such as structural, functional, and spatial information, amino acid conservation, physicochemical variation, residue mobility, and thermodynamic stability) indicates that this missense variant is not expected to disrupt SOX2 protein function with a negative predictive value of 95%. In summary, the available evidence is currently insufficient to determine the role of this variant in disease. Therefore, it has been classified as a Variant of Uncertain Significance.

NM_003106.4(SOX2):c.692G>T (p.Gly231Val)

Genes: SOX2-OT (SOX2 overlapping transcript; plus strand), SOX2 (SRY-box transcription factor 2; plus strand). Cytogenetic location: 3q26.33.
Variant type: single nucleotide variant.
Coding change: c.692G>T on transcript NM_003106.4 (MANE Select); coding-DNA position 692, G replaced by T.
Protein change: p.Gly231Val; replaces glycine 231 with valine.
Molecular consequence: missense variant.
Genome position (GRCh38, 1-based): chr3:181,713,052, G>T. VCF-style: chr3-181713052-G-T. GRCh37 (hg19) VCF-style: chr3-181430840-G-T.
Other names: short protein forms G231V.
Identifiers: ClinVar variation 4772478 (VCV004772478.1).